The following is an entry in ClinVar:

NM_000090.4(COL3A1):c.3799T>C (p.Phe1267Leu)

Gene: COL3A1 (collagen type III alpha 1 chain; plus strand). Cytogenetic location: 2q32.2.
Variant type: single nucleotide variant.
Coding change: c.3799T>C on transcript NM_000090.4 (MANE Select); coding-DNA position 3799, T replaced by C.
Protein change: p.Phe1267Leu; replaces phenylalanine 1267 with leucine.
Molecular consequence: missense variant.
Genome position (GRCh38, 1-based): chr2:189,009,197, T>C. VCF-style: chr2-189009197-T-C. GRCh37 (hg19) VCF-style: chr2-189873923-T-C.
Other names: short protein forms F1267L.
Identifiers: ClinVar variation 4757445 (VCV004757445.1).

ClinVar aggregate classification (germline): Uncertain significance (1 of 4 stars; one submission).

Conditions:
Familial thoracic aortic aneurysm and aortic dissection (TAAD). Also called: Thoracic aortic aneurysms and dissections. Identifiers: Orphanet 91387, MedGen C4707243, MONDO:0019625.

gnomAD v4.1: 3 of 1,614,198 alleles (0.00019%); highest among the groups gnomAD compares: Non-Finnish European, 0.00025%; no homozygotes.

Submission:

Color Diagnostics, LLC DBA Color Health
Classification: Uncertain significance for Familial thoracic aortic aneurysm and aortic dissection. Last evaluated: 2025-07-08. Review status: criteria provided, single submitter. Criteria: ACMG Guidelines, 2015. Collection method: clinical testing. Allele origin: germline.
Comment: This missense variant replaces phenylalanine with leucine at codon 1267 of the COL3A1 protein. Computational prediction suggests that this variant may not impact protein structure and function. To our knowledge, functional studies have not been reported for this variant. This variant has not been reported in individuals affected with COL3A1-related disorders in the literature. This variant has been identified in 3/250618 chromosomes in the general population by the Genome Aggregation Database (gnomAD). The available evidence is insufficient to determine the role of this variant in disease conclusively. Therefore, this variant is classified as a Variant of Uncertain Significance.